The following is an entry in ClinVar:

NM_000020.3(ACVRL1):c.670G>T (p.Glu224Ter)

Gene: ACVRL1 (activin A receptor like type 1; plus strand). Cytogenetic location: 12q13.13.
Variant type: single nucleotide variant.
Coding change: c.670G>T on transcript NM_000020.3 (MANE Select); coding-DNA position 670, G replaced by T.
Protein change: p.Glu224Ter; replaces glutamic acid 224 with a stop codon.
Molecular consequence: nonsense.
Genome position (GRCh38, 1-based): chr12:51,914,483, G>T. VCF-style: chr12-51914483-G-T. GRCh37 (hg19) VCF-style: chr12-52308267-G-T.
Other names: c.670G>T, p.Glu224Ter (NM_001077401.2, NM_001406487.1, NM_001406488.1 and 1 more transcripts); c.358G>T, p.Glu120Ter (NM_001406490.1, NM_001406491.1, NM_001406492.1 and 2 more transcripts); c.106G>T, p.Glu36Ter (NM_001406495.1); short protein forms E120*, E36*, E224*.
Identifiers: ClinVar variation 2815830 (VCV002815830.3), dbSNP rs2540162613, ClinGen allele CA384900037.

ClinVar aggregate classification (germline): Pathogenic (1 of 4 stars; one submission).

Conditions:
Telangiectasia, hereditary hemorrhagic, type 2 (HHT2). Also called: Telangiectasia, hereditary hemorrhagic, type II; ACVRL1-Related Hereditary Hemorrhagic Telangiectasia. Identifiers: Orphanet 774, MedGen C1838163, MONDO:0010880, OMIM 600376. Disease mechanism: loss of function.

Submission:

Labcorp Genetics (formerly Invitae), Labcorp
Classification: Pathogenic for Telangiectasia, hereditary hemorrhagic, type 2. Last evaluated: 2022-11-23. Review status: criteria provided, single submitter. Criteria: Invitae Variant Classification Sherloc (09022015). Collection method: clinical testing. Allele origin: germline.
Comment: This sequence change creates a premature translational stop signal (p.Glu224*) in the ACVRL1 gene. It is expected to result in an absent or disrupted protein product. Loss-of-function variants in ACVRL1 are known to be pathogenic (PMID: 15879500). This variant is not present in population databases (gnomAD no frequency). For these reasons, this variant has been classified as Pathogenic. Algorithms developed to predict the effect of sequence changes on RNA splicing suggest that this variant may disrupt the consensus splice site. This variant has not been reported in the literature in individuals affected with ACVRL1-related conditions.

Literature cited by the submitters: PubMed 15879500.